The following is an entry in ClinVar:

ClinVar aggregate classification (germline): Uncertain significance (1 of 4 stars; one submission).

Allele frequency attached by ClinVar (database versions not stated): gnomAD exomes below 0.00001.
gnomAD v4.1: 1 of 1,613,812 alleles (0.000062%); highest among the groups gnomAD compares: Admixed American, 0.0017%; no homozygotes.

Submission:

Labcorp Genetics (formerly Invitae), Labcorp
Classification: Uncertain significance. Last evaluated: 2022-02-25. Review status: criteria provided, single submitter. Criteria: Invitae Variant Classification Sherloc (09022015). Collection method: clinical testing. Allele origin: germline.
Comment: This variant is not present in population databases (gnomAD no frequency). This sequence change replaces isoleucine, which is neutral and non-polar, with threonine, which is neutral and polar, at codon 983 of the DHX38 protein (p.Ile983Thr). This variant has not been reported in the literature in individuals affected with DHX38-related conditions. Algorithms developed to predict the effect of missense changes on protein structure and function (SIFT, PolyPhen-2, Align-GVGD) all suggest that this variant is likely to be disruptive. In summary, the available evidence is currently insufficient to determine the role of this variant in disease. Therefore, it has been classified as a Variant of Uncertain Significance.

NM_014003.4(DHX38):c.2948T>C (p.Ile983Thr)

Genes: DHX38 (DEAH-box helicase 38; plus strand), LOC126862391 (CDK7 strongly-dependent group 2 enhancer GRCh37_chr16:72141414-72142613; plus strand). Cytogenetic location: 16q22.2.
Variant type: single nucleotide variant.
Coding change: c.2948T>C on transcript NM_014003.4 (MANE Select); coding-DNA position 2948, T replaced by C.
Protein change: p.Ile983Thr; replaces isoleucine 983 with threonine.
Molecular consequence: missense variant.
Genome position (GRCh38, 1-based): chr16:72,107,783, T>C. VCF-style: chr16-72107783-T-C. GRCh37 (hg19) VCF-style: chr16-72141682-T-C.
Other names: short protein forms I983T.
Identifiers: ClinVar variation 1356767 (VCV001356767.8), dbSNP rs2144170828, ClinGen allele CA396715378.
Genomic context (GRCh38, chr16:72,107,783, plus strand): 5'-GTGACATGGGCTGCAGCTCCGAGATCCTGCTCATCGTTTCCATGCTCTCGGTCCCAGCCA[T>C]CTTCTACAGGCCCAAGGTGGGGCAGCGGCTGGCTCCCCTCTCCCCGGAGGGCTCGAGGAA-3'
Protein context (NP_054722.2, residues 973-993): LIVSMLSVPA[Ile983Thr]FYRPKGREEE